The following is an entry in ClinVar:

ClinVar aggregate classification (germline): Uncertain significance (0 of 4 stars; one submission).

Conditions:
ZNF462-related disorder. Also called: ZNF462-related condition; ZNF462 related disease.

Submission:

PreventionGenetics, part of Exact Sciences
Classification: Uncertain significance for ZNF462-related condition. Last evaluated: 2024-08-09. Review status: no assertion criteria provided. Collection method: clinical testing. Allele origin: germline.
Comment: The ZNF462 c.2675A>G variant is predicted to result in the amino acid substitution p.Tyr892Cys. To our knowledge, this variant has not been reported in the literature or in a large population database, indicating this variant is rare. At this time, the clinical significance of this variant is uncertain due to the absence of conclusive functional and genetic evidence.

NM_021224.6(ZNF462):c.2675A>G (p.Tyr892Cys)

Gene: ZNF462 (zinc finger protein 462; plus strand). Cytogenetic location: 9q31.2.
Variant type: single nucleotide variant.
Coding change: c.2675A>G on transcript NM_021224.6 (MANE Select); coding-DNA position 2675, A replaced by G.
Protein change: p.Tyr892Cys; replaces tyrosine 892 with cysteine.
Molecular consequence: missense variant.
Genome position (GRCh38, 1-based): chr9:106,926,587, A>G. VCF-style: chr9-106926587-A-G. GRCh37 (hg19) VCF-style: chr9-109688868-A-G.
Other names: c.2675A>G, p.Tyr892Cys (NM_001347997.2); short protein forms Y892C.
Identifiers: ClinVar variation 2637344 (VCV002637344.2), dbSNP rs2538758015, ClinGen allele CA374396086.